The following is an entry in ClinVar:

ClinVar aggregate classification (germline): Uncertain significance (1 of 4 stars; one submission).

Conditions:
Joubert syndrome. Also called: CEREBELLOPARENCHYMAL DISORDER IV; JOUBERT-BOLTSHAUSER SYNDROME; Familial aplasia of the vermis. Identifiers: Orphanet 475, MedGen C5979921, MONDO:0018772.

Allele frequency attached by ClinVar (database versions not stated): gnomAD exomes below 0.00001; gnomAD 0.00001.
gnomAD v4.1: 2 of 1,613,744 alleles (0.00012%); highest among the groups gnomAD compares: Non-Finnish European, 0.00017%; no homozygotes.

Submission:

Labcorp Genetics (formerly Invitae), Labcorp
Classification: Uncertain significance for Joubert syndrome. Last evaluated: 2022-03-19. Review status: criteria provided, single submitter. Criteria: Invitae Variant Classification Sherloc (09022015). Collection method: clinical testing. Allele origin: germline.
Comment: This sequence change replaces proline, which is neutral and non-polar, with threonine, which is neutral and polar, at codon 335 of the AHI1 protein (p.Pro335Thr). This variant is present in population databases (no rsID available, gnomAD 0.007%). This variant has not been reported in the literature in individuals affected with AHI1-related conditions. Advanced modeling of protein sequence and biophysical properties (such as structural, functional, and spatial information, amino acid conservation, physicochemical variation, residue mobility, and thermodynamic stability) performed at Invitae indicates that this missense variant is not expected to disrupt AHI1 protein function. In summary, the available evidence is currently insufficient to determine the role of this variant in disease. Therefore, it has been classified as a Variant of Uncertain Significance.

NM_001134831.2(AHI1):c.1003C>A (p.Pro335Thr)

Gene: AHI1 (Abelson helper integration site 1; minus strand). Cytogenetic location: 6q23.3.
Variant type: single nucleotide variant.
Coding change: c.1003C>A on transcript NM_001134831.2 (MANE Select); coding-DNA position 1003, C replaced by A.
Protein change: p.Pro335Thr; replaces proline 335 with threonine.
Molecular consequence: missense variant.
Genome position (GRCh38, 1-based): chr6:135,457,642, G>T on the plus strand (C>A on the coding strand, the complement: AHI1 is on the minus strand). VCF-style: chr6-135457642-G-T. GRCh37 (hg19) VCF-style: chr6-135778780-G-T.
Other names: c.1003C>A, p.Pro335Thr (NM_001134830.2, NM_001134832.2, NM_001350503.2 and 2 more transcripts); short protein forms P335T.
Identifiers: ClinVar variation 2056814 (VCV002056814.4), dbSNP rs1490641975, ClinGen allele CA365747896.